The following is an entry in ClinVar:

NM_001369.3(DNAH5):c.11463G>A (p.Thr3821=)

Gene: DNAH5 (dynein axonemal heavy chain 5; minus strand). Cytogenetic location: 5p15.2.
Variant type: single nucleotide variant.
Coding change: c.11463G>A on transcript NM_001369.3 (MANE Select); coding-DNA position 11463, G replaced by A.
Protein change: p.Thr3821=; no amino-acid change (threonine 3821 retained).
Molecular consequence: synonymous variant.
Genome position (GRCh38, 1-based): chr5:13,735,925, C>T on the plus strand (G>A on the coding strand, the complement: DNAH5 is on the minus strand). VCF-style: chr5-13735925-C-T. GRCh37 (hg19) VCF-style: chr5-13736034-C-T.
Identifiers: ClinVar variation 351038 (VCV000351038.19), dbSNP rs200744540, ClinGen allele CA3201947.

ClinVar aggregate classification (germline): Conflicting classifications of pathogenicity. Review status: criteria provided, conflicting classifications (1 of 4 stars). 4 submissions from 4 submitters: Uncertain significance (1); Likely benign (1). 2 of the submissions do not count toward it. Last evaluated 2026-01-02.

Conditions:
DNAH5-related disorder. Also called: DNAH5-related condition.
Primary ciliary dyskinesia 3. Identifiers: Orphanet 244, MedGen C1837618, MONDO:0012085, OMIM 608644.
Primary ciliary dyskinesia. Also called: Ciliary dyskinesia. Identifiers: Orphanet 244, MedGen C0008780, MONDO:0016575, HP:0012265.

Allele frequency attached by ClinVar (database versions not stated): gnomAD 0.00001 and 0.00003; TOPMed 0.00002; gnomAD exomes 0.00007 and 0.00008; ExAC 0.00009; 1000 Genomes Project 0.00040; 1000 Genomes Project 30x 0.00047.
gnomAD v4.1: 100 of 1,613,718 alleles (0.0062%); highest among the groups gnomAD compares: South Asian, 0.074%; 2 homozygotes.

Submissions (4):

Labcorp Genetics (formerly Invitae), Labcorp
Classification: Likely benign for Primary ciliary dyskinesia. Last evaluated: 2026-01-02. Review status: criteria provided, single submitter. Criteria: Invitae Variant Classification Sherloc (09022015). Collection method: clinical testing. Allele origin: germline.

Illumina Laboratory Services, Illumina
Classification: Uncertain significance for Primary ciliary dyskinesia 3. Last evaluated: 2018-01-12. Review status: criteria provided, single submitter. Criteria: ICSL Variant Classification Criteria 13 December 2019. Collection method: clinical testing. Allele origin: germline.

Natera, Inc.
Classification: Likely benign for Primary ciliary dyskinesia. Last evaluated: 2020-05-01. Review status: no assertion criteria provided. Collection method: clinical testing. Allele origin: germline. Not counted in ClinVar's aggregate classification.

PreventionGenetics, part of Exact Sciences
Classification: Likely benign for DNAH5-related condition. Last evaluated: 2019-07-16. Review status: no assertion criteria provided. Collection method: clinical testing. Allele origin: germline. Not counted in ClinVar's aggregate classification.
Comment: This variant is classified as likely benign based on ACMG/AMP sequence variant interpretation guidelines (Richards et al. 2015 PMID: 25741868, with internal and published modifications).